The following is an entry in ClinVar:

NM_199420.4(POLQ):c.1439G>T (p.Arg480Leu)

Gene: POLQ (DNA polymerase theta; minus strand). Cytogenetic location: 3q13.33.
Variant type: single nucleotide variant.
Coding change: c.1439G>T on transcript NM_199420.4 (MANE Select); coding-DNA position 1439, G replaced by T.
Protein change: p.Arg480Leu; replaces arginine 480 with leucine.
Molecular consequence: missense variant.
Genome position (GRCh38, 1-based): chr3:121,519,900, C>A on the plus strand (G>T on the coding strand, the complement: POLQ is on the minus strand). VCF-style: chr3-121519900-C-A. GRCh37 (hg19) VCF-style: chr3-121238747-C-A.
Other names: short protein forms R480L.
Identifiers: ClinVar variation 2625851 (VCV002625851.2), dbSNP rs747351072, ClinGen allele CA354118994.
Genomic context (GRCh38, chr3:121,519,900, plus strand): 5'-TGCTGCTACAATTAAATTCAAACTCACTTACCTACTGTGTCCACTCCTTTCCTGCCAGCA[C>A]GGCCAACCATCTGCTTATAAGTAAGAATATCTAGAGGTCGACCACCAAAAATAGGGGTTC-3'
Protein context (NP_955452.3, residues 470-490): DILTYKQMVG[Arg480Leu]AGRKGVDTVG

ClinVar aggregate classification (germline): Uncertain significance (1 of 4 stars; one submission).

Submission:

Ambry Genetics
Classification: Uncertain significance. Last evaluated: 2023-07-27. Review status: criteria provided, single submitter. Criteria: Ambry Variant Classification Scheme 2023. Collection method: clinical testing. Allele origin: germline.
Comment: The p.R480L variant (also known as c.1439G>T), located in coding exon 9 of the POLQ gene, results from a G to T substitution at nucleotide position 1439. The arginine at codon 480 is replaced by leucine, an amino acid with dissimilar properties. This amino acid position is conserved. In addition, this alteration is predicted to be deleterious by in silico analysis. Since supporting evidence is limited at this time, the clinical significance of this alteration remains unclear.